The following is an entry in ClinVar:

NM_000751.3(CHRND):c.899C>A (p.Pro300His)

Gene: CHRND (cholinergic receptor nicotinic delta subunit; plus strand). Cytogenetic location: 2q37.1.
Variant type: single nucleotide variant.
Coding change: c.899C>A on transcript NM_000751.3 (MANE Select); coding-DNA position 899, C replaced by A.
Protein change: p.Pro300His; replaces proline 300 with histidine.
Molecular consequence: missense variant.
Genome position (GRCh38, 1-based): chr2:232,531,430, C>A. VCF-style: chr2-232531430-C-A. GRCh37 (hg19) VCF-style: chr2-233396140-C-A.
Other names: c.854C>A, p.Pro285His (NM_001256657.2); c.317C>A, p.Pro106His (NM_001311195.2); c.596C>A, p.Pro199His (NM_001311196.2); short protein forms P285H, P106H, P300H, P199H.
Identifiers: ClinVar variation 1514905 (VCV001514905.7), dbSNP rs145981548, ClinGen allele CA2168186.

ClinVar aggregate classification (germline): Uncertain significance. Review status: criteria provided, multiple submitters, no conflicts (2 of 4 stars). 2 submissions from 2 submitters: Uncertain significance (2). Last evaluated 2026-01-17.

Conditions:
Lethal multiple pterygium syndrome (LMPS). Identifiers: Orphanet 33108, MedGen C1854678, MONDO:0009668, OMIM 253290.

Allele frequency attached by ClinVar (database versions not stated): ExAC 0.00001; gnomAD 0.00001; gnomAD exomes 0.00001; ESP Exome Variant Server 0.00008.
gnomAD v4.1: 3 of 1,613,956 alleles (0.00019%); highest among the groups gnomAD compares: Non-Finnish European, 0.00017%; no homozygotes.

Submissions (2):

Labcorp Genetics (formerly Invitae), Labcorp
Classification: Uncertain significance for Lethal multiple pterygium syndrome. Last evaluated: 2026-01-17. Review status: criteria provided, single submitter. Criteria: Invitae Variant Classification Sherloc (09022015). Collection method: clinical testing. Allele origin: germline.
Comment: This sequence change replaces proline, which is neutral and non-polar, with histidine, which is basic and polar, at codon 300 of the CHRND protein (p.Pro300His). This variant is present in population databases (rs145981548, gnomAD 0.002%). This variant has not been reported in the literature in individuals affected with CHRND-related conditions. ClinVar contains an entry for this variant (Variation ID: 1514905). Invitae Evidence Modeling of protein sequence and biophysical properties (such as structural, functional, and spatial information, amino acid conservation, physicochemical variation, residue mobility, and thermodynamic stability) indicates that this missense variant is expected to disrupt CHRND protein function with a positive predictive value of 95%. In summary, the available evidence is currently insufficient to determine the role of this variant in disease. Therefore, it has been classified as a Variant of Uncertain Significance.

Women's Health and Genetics/Laboratory Corporation of America, LabCorp
Classification: Uncertain significance. Last evaluated: 2024-08-27. Review status: criteria provided, single submitter. Criteria: LabCorp Variant Classification Summary - May 2015. Collection method: clinical testing. Allele origin: germline.
Comment: Variant summary: CHRND c.899C>A (p.Pro300His) results in a non-conservative amino acid change located in the Neurotransmitter-gated ion-channel transmembrane domain (IPR006029) of the encoded protein sequence. Five of five in-silico tools predict a damaging effect of the variant on protein function. The variant allele was found at a frequency of 8e-06 in 251432 control chromosomes. The available data on variant occurrences in the general population are insufficient to allow any conclusion about variant significance. To our knowledge, no occurrence of c.899C>A in individuals affected with CHRND-Related Disorders and no experimental evidence demonstrating its impact on protein function have been reported. ClinVar contains an entry for this variant (Variation ID: 1514905). Based on the evidence outlined above, the variant was classified as uncertain significance.